The following is an entry in ClinVar:

NM_005862.3(STAG1):c.1266G>C (p.Ser422=)

Gene: STAG1 (STAG1 cohesin complex component; minus strand). Cytogenetic location: 3q22.3.
Variant type: single nucleotide variant.
Coding change: c.1266G>C on transcript NM_005862.3 (MANE Select); coding-DNA position 1266, G replaced by C.
Protein change: p.Ser422=; no amino-acid change (serine 422 retained).
Molecular consequence: synonymous variant.
Genome position (GRCh38, 1-based): chr3:136,464,928, C>G on the plus strand (G>C on the coding strand, the complement: STAG1 is on the minus strand). VCF-style: chr3-136464928-C-G. GRCh37 (hg19) VCF-style: chr3-136183770-C-G.
Identifiers: ClinVar variation 2654178 (VCV002654178.24), dbSNP rs765164966, ClinGen allele CA2632949.

ClinVar aggregate classification (germline): Likely benign (1 of 4 stars; one submission).

Allele frequency attached by ClinVar (database versions not stated): ExAC 0.00001; gnomAD 0.00001.
gnomAD v4.1: 26 of 1,612,546 alleles (0.0016%); highest among the groups gnomAD compares: Non-Finnish European, 0.0022%; no homozygotes.

Submission:

CeGaT Center for Human Genetics Tuebingen
Classification: Likely benign. Last evaluated: 2025-09-01. Review status: criteria provided, single submitter. Criteria: CeGaT Center For Human Genetics Tuebingen Variant Classification Criteria Version 2. Collection method: clinical testing. Allele origin: germline. Affected: yes. Observed: 2 variant alleles.
Comment: STAG1: BP4, BP7